The following is an entry in ClinVar:

ClinVar aggregate classification (germline): Uncertain significance (1 of 4 stars; one submission).

Allele frequency attached by ClinVar (database versions not stated): gnomAD exomes below 0.00001; TOPMed below 0.00001.
gnomAD v4.1: 3 of 1,614,066 alleles (0.00019%); highest among the groups gnomAD compares: Non-Finnish European, 0.00025%; no homozygotes.

Submission:

Labcorp Genetics (formerly Invitae), Labcorp
Classification: Uncertain significance. Last evaluated: 2022-07-12. Review status: criteria provided, single submitter. Criteria: Invitae Variant Classification Sherloc (09022015). Collection method: clinical testing. Allele origin: germline.
Comment: This variant is not present in population databases (gnomAD no frequency). This sequence change replaces arginine, which is basic and polar, with lysine, which is basic and polar, at codon 40 of the PRPF4 protein (p.Arg40Lys). This variant has not been reported in the literature in individuals affected with PRPF4-related conditions. In summary, the available evidence is currently insufficient to determine the role of this variant in disease. Therefore, it has been classified as a Variant of Uncertain Significance. Algorithms developed to predict the effect of missense changes on protein structure and function output the following: SIFT: "Tolerated"; PolyPhen-2: "Benign"; Align-GVGD: "Class C0". The lysine amino acid residue is found in multiple mammalian species, which suggests that this missense change does not adversely affect protein function. ClinVar contains an entry for this variant (Variation ID: 1345736).

NM_001244926.2(PRPF4):c.116G>A (p.Arg39Lys)

Gene: PRPF4 (pre-mRNA splicing tri-snRNP complex factor PRPF4; plus strand). Cytogenetic location: 9q32.
Variant type: single nucleotide variant.
Coding change: c.116G>A on transcript NM_001244926.2 (MANE Select); coding-DNA position 116, G replaced by A.
Protein change: p.Arg39Lys; replaces arginine 39 with lysine.
Molecular consequence: missense variant. On other transcripts: 5 prime UTR variant (2), non-coding transcript variant (2).
Genome position (GRCh38, 1-based): chr9:113,276,636, G>A. VCF-style: chr9-113276636-G-A. GRCh37 (hg19) VCF-style: chr9-116038916-G-A.
Other names: c.-650G>A (NM_001322266.2, NM_001322267.2); c.119G>A, p.Arg40Lys (NM_004697.5); short protein forms R39K, R40K.
Identifiers: ClinVar variation 1345736 (VCV001345736.8), dbSNP rs1832106930, ClinGen allele CA374551452.